The following is an entry in ClinVar:

NM_007294.4(BRCA1):c.4904A>C (p.Glu1635Ala)

Gene: BRCA1 (BRCA1 DNA repair associated; minus strand). Cytogenetic location: 17q21.31.
Variant type: single nucleotide variant.
Coding change: c.4904A>C on transcript NM_007294.4 (MANE Select); coding-DNA position 4904, A replaced by C.
Protein change: p.Glu1635Ala; replaces glutamic acid 1635 with alanine.
Molecular consequence: missense variant. On other transcripts: non-coding transcript variant (1).
Genome position (GRCh38, 1-based): chr17:43,071,010, T>G on the plus strand (A>C on the coding strand, the complement: BRCA1 is on the minus strand). VCF-style: chr17-43071010-T-G. GRCh37 (hg19) VCF-style: chr17-41223027-T-G.
Other names: c.4691A>C, p.Glu1564Ala (NM_001407571.1, NM_001407894.1, NM_001407895.1 and 12 more transcripts); c.4970A>C, p.Glu1657Ala (NM_001407581.1, NM_001407582.1); c.4967A>C, p.Glu1656Ala (NM_001407583.1, NM_001407585.1, NM_001407587.1 and 1 more transcripts); c.4964A>C, p.Glu1655Ala (NM_001407590.1, NM_001407591.1); c.4904A>C, p.Glu1635Ala (NM_001407593.1, NM_001407594.1, NM_001407596.1 and 8 more transcripts); c.4901A>C, p.Glu1634Ala (NM_001407616.1, NM_001407617.1, NM_001407618.1 and 17 more transcripts); c.4898A>C, p.Glu1633Ala (NM_001407635.1, NM_001407636.1, NM_001407637.1 and 14 more transcripts); c.4895A>C, p.Glu1632Ala (NM_001407644.1, NM_001407645.1); and 70 more; short protein forms E1656A, E531A, E1588A, E1635A, E1506A, E1507A, E1546A, E1547A.
Identifiers: ClinVar variation 868838 (VCV000868838.3), dbSNP rs2052383280, ClinGen allele CA10591718.
Genomic context (GRCh38, chr17:43,071,010, plus strand): 5'-GACACCACCATGGACATTCTTTTGTTGACCCTTTCTGTTGAAGCTGTCAATTCTGGCTTC[T>G]CCCTGCTCACACTTTCTTCCATTGCATTATACCCAGCAGTATCAGTAGTATGAGCAGCAG-3'
Protein context (NP_009225.1, residues 1625-1645): YNAMEESVSR[Glu1635Ala]KPELTASTER

Conditions:
Breast-ovarian cancer, familial, susceptibility to, 1 (BROVCA1). Also called: BRCA1 Hereditary Breast and Ovarian Cancer; OVARIAN CANCER, SUSCEPTIBILITY TO. Identifiers: Orphanet 145, MedGen C2676676, MONDO:0011450, OMIM 604370. Disease mechanism: loss of function.

Submission:

Brotman Baty Institute, University of Washington
No classification provided (evidence only). Condition: Breast-ovarian cancer, familial 1. Review status: no classification provided. Collection method: in vitro. Allele origin: not applicable. Functional consequence: functionally_normal.
ClinVar note: "not provided" was previously submitted as the classification for the variant. However, the classification appeared to be based only on an observation of functional data so it was converted to no classification on 2025-07-30.